The following is an entry in ClinVar:

ClinVar aggregate classification (germline): Conflicting classifications of pathogenicity. Review status: criteria provided, conflicting classifications (1 of 4 stars). 2 submissions from 2 submitters: Uncertain significance (1); Benign (1). Last evaluated 2025-05-11.

Conditions:
Renal cell carcinoma. Identifiers: Orphanet 217071, MedGen C0007134, MeSH D002292, MONDO:0005086, HP:0005584.
Hereditary cancer-predisposing syndrome. Also called: Hereditary neoplastic syndrome; Tumor predisposition; Neoplastic Syndromes, Hereditary; Hereditary Cancer Syndrome. Identifiers: Orphanet 140162, MedGen C0027672, MeSH D009386, MONDO:0015356.

Allele frequency attached by ClinVar (database versions not stated): gnomAD 0.00001; gnomAD exomes 0.00001; TOPMed 0.00001.
gnomAD v4.1: 4 of 1,613,248 alleles (0.00025%); highest among the groups gnomAD compares: Admixed American, 0.0067%; no homozygotes.

Submissions (2):

Labcorp Genetics (formerly Invitae), Labcorp
Classification: Uncertain significance for Renal cell carcinoma. Last evaluated: 2025-05-11. Review status: criteria provided, single submitter. Criteria: Invitae Variant Classification Sherloc (09022015). Collection method: clinical testing. Allele origin: germline.
Comment: This sequence change replaces glutamine, which is neutral and polar, with histidine, which is basic and polar, at codon 559 of the MET protein (p.Gln559His). This variant is present in population databases (no rsID available, gnomAD 0.009%). This variant has not been reported in the literature in individuals affected with MET-related conditions. ClinVar contains an entry for this variant (Variation ID: 1501244). Invitae Evidence Modeling of protein sequence and biophysical properties (such as structural, functional, and spatial information, amino acid conservation, physicochemical variation, residue mobility, and thermodynamic stability) indicates that this missense variant is not expected to disrupt MET protein function with a negative predictive value of 80%. In summary, the available evidence is currently insufficient to determine the role of this variant in disease. Therefore, it has been classified as a Variant of Uncertain Significance.

Ambry Genetics
Classification: Benign for Hereditary cancer-predisposing syndrome. Last evaluated: 2024-07-31. Review status: criteria provided, single submitter. Criteria: Ambry Variant Classification Scheme 2023. Collection method: clinical testing. Allele origin: germline.

NM_000245.4(MET):c.1677G>T (p.Gln559His)

Gene: MET (MET proto-oncogene, receptor tyrosine kinase; plus strand). Cytogenetic location: 7q31.2.
Variant type: single nucleotide variant.
Coding change: c.1677G>T on transcript NM_000245.4 (MANE Select); coding-DNA position 1677, G replaced by T.
Protein change: p.Gln559His; replaces glutamine 559 with histidine.
Molecular consequence: missense variant.
Genome position (GRCh38, 1-based): chr7:116,741,001, G>T. VCF-style: chr7-116741001-G-T. GRCh37 (hg19) VCF-style: chr7-116381055-G-T.
Other names: c.1677G>T, p.Gln559His (NM_001127500.3, NM_001324401.3); c.387G>T, p.Gln129His (NM_001324402.2); short protein forms Q129H, Q559H.
Identifiers: ClinVar variation 1501244 (VCV001501244.13), dbSNP rs1290346524, ClinGen allele CA368975807.